The following is an entry in ClinVar:

ClinVar aggregate classification (germline): Pathogenic (1 of 4 stars; one submission).

Submission:

Labcorp Genetics (formerly Invitae), Labcorp
Classification: Pathogenic. Last evaluated: 2022-09-06. Review status: criteria provided, single submitter. Criteria: Invitae Variant Classification Sherloc (09022015). Collection method: clinical testing. Allele origin: germline.
Comment: For these reasons, this variant has been classified as Pathogenic. Studies have shown that this variant alters mRNA splicing and is expected to lead to the loss of protein expression (PMID: 31397521). This variant is also known as r.3050_3051ins3050+164_3050+368 . This variant has been observed in individual(s) with Stargardt disease (PMID: 31397521, 32307445). In at least one individual the data is consistent with being in trans (on the opposite chromosome) from a pathogenic variant. This variant is not present in population databases (gnomAD no frequency). This sequence change falls in intron 20 of the ABCA4 gene. It does not directly change the encoded amino acid sequence of the ABCA4 protein.

Literature cited by the submitters: PubMed 31397521; PubMed 32307445.

NM_000350.3(ABCA4):c.3050+370C>T

Gene: ABCA4 (ATP binding cassette subfamily A member 4; minus strand). Cytogenetic location: 1p22.1.
Variant type: single nucleotide variant.
Coding change: c.3050+370C>T on transcript NM_000350.3 (MANE Select); 370 bases into the intron after coding-DNA position 3050, C replaced by T.
Molecular consequence: intron variant.
Genome position (GRCh38, 1-based): chr1:94,044,243, G>A on the plus strand (C>T on the coding strand, the complement: ABCA4 is on the minus strand). VCF-style: chr1-94044243-G-A. GRCh37 (hg19) VCF-style: chr1-94509799-G-A.
Identifiers: ClinVar variation 2202795 (VCV002202795.4), dbSNP rs2523778270, ClinGen allele CA2580063342.